The following is an entry in ClinVar:

ClinVar aggregate classification (germline): Uncertain significance (1 of 4 stars; one submission).

Submission:

Women's Health and Genetics/Laboratory Corporation of America, LabCorp
Classification: Uncertain significance. Last evaluated: 2024-12-05. Review status: criteria provided, single submitter. Criteria: LabCorp Variant Classification Summary - May 2015. Collection method: clinical testing. Allele origin: germline.
Comment: Variant summary: ENG c.*4dupT is located in the untranslated mRNA region downstream of the termination codon. The variant was absent in 197126 control chromosomes. The available data on variant occurrences in the general population are insufficient to allow any conclusion about variant significance. To our knowledge, no occurrence of c.*4dupT in individuals affected with Hereditary Hemorrhagic Telangiectasia and no experimental evidence demonstrating its impact on protein function have been reported. No submitters have cited clinical-significance assessments for this variant to ClinVar. Based on the evidence outlined above, the variant was classified as uncertain significance.

NM_001114753.3(ENG):c.1852+30dup

Gene: ENG (endoglin; minus strand). Cytogenetic location: 9q34.11.
Variant type: Duplication.
Coding change: c.1852+30dup on transcript NM_001114753.3 (MANE Select); 30 bases into the intron after coding-DNA position 1852, one base duplicated (T; older notation c.1852+30dupT).
Molecular consequence: intron variant. On other transcripts: 3 prime UTR variant (1).
Genome position (GRCh38, 1-based): chr9:127,815,913, A duplicated on the plus strand (T on the coding strand, the reverse complement: ENG is on the minus strand). VCF-style (leftmost placement, unchanged base first): chr9-127815912-C-CA. GRCh37 (hg19) VCF-style: chr9-130578191-C-CA.
Other names: c.*4dup (NM_000118.4); c.1306+30dup (NM_001278138.2); c.*4dupT (NM_000118.3).
Identifiers: ClinVar variation 3768233 (VCV003768233.1).